The following is an entry in ClinVar:

NM_004655.4(AXIN2):c.423C>T (p.Asn141=)

Gene: AXIN2 (axin 2; minus strand). Cytogenetic location: 17q24.1.
Variant type: single nucleotide variant.
Coding change: c.423C>T on transcript NM_004655.4 (MANE Select); coding-DNA position 423, C replaced by T.
Protein change: p.Asn141=; no amino-acid change (asparagine 141 retained).
Molecular consequence: synonymous variant.
Genome position (GRCh38, 1-based): chr17:65,558,198, G>A on the plus strand (C>T on the coding strand, the complement: AXIN2 is on the minus strand). VCF-style: chr17-65558198-G-A. GRCh37 (hg19) VCF-style: chr17-63554316-G-A.
Other names: c.423C>T, p.Asn141= (NM_001363813.1).
Identifiers: ClinVar variation 1738975 (VCV001738975.8), dbSNP rs2044302091, ClinGen allele CA501691787.

ClinVar aggregate classification (germline): Benign/Likely benign. Review status: criteria provided, multiple submitters, no conflicts (2 of 4 stars). 3 submissions from 3 submitters: Benign (1); Likely benign (2). Last evaluated 2025-03-20.

Conditions:
Hereditary cancer-predisposing syndrome. Also called: Hereditary Cancer Syndrome; Hereditary neoplastic syndrome; Neoplastic Syndromes, Hereditary; Tumor predisposition. Identifiers: Orphanet 140162, MedGen C0027672, MeSH D009386, MONDO:0015356.
Oligodontia-cancer predisposition syndrome. Also called: TOOTH AGENESIS-COLORECTAL CANCER SYNDROME. Identifiers: Orphanet 300576, MedGen C1837750, MONDO:0012075, OMIM 608615. Disease mechanism: loss of function.

Allele frequency attached by ClinVar (database versions not stated): TOPMed below 0.00001.

Submissions (3):

Labcorp Genetics (formerly Invitae), Labcorp
Classification: Likely benign for Oligodontia-cancer predisposition syndrome. Last evaluated: 2025-03-20. Review status: criteria provided, single submitter. Criteria: Invitae Variant Classification Sherloc (09022015). Collection method: clinical testing. Allele origin: germline.

Myriad Genetics, Inc.
Classification: Benign for Oligodontia-cancer predisposition syndrome. Last evaluated: 2024-06-26. Review status: criteria provided, single submitter. Criteria: Myriad Autosomal Dominant, Autosomal Recessive and X-Linked Classification Criteria (2023). Collection method: clinical testing. Allele origin: unknown.
Comment: This variant is considered benign. This variant is a silent/synonymous amino acid change and it is not expected to impact splicing.

Ambry Genetics
Classification: Likely benign for Hereditary cancer-predisposing syndrome. Last evaluated: 2021-02-18. Review status: criteria provided, single submitter. Criteria: Ambry Variant Classification Scheme 2023. Collection method: clinical testing. Allele origin: germline.